The following is an entry in ClinVar:

NM_004369.4(COL6A3):c.7854C>T (p.Ile2618=)

Gene: COL6A3 (collagen type VI alpha 3 chain; minus strand). Cytogenetic location: 2q37.3.
Variant type: single nucleotide variant.
Coding change: c.7854C>T on transcript NM_004369.4 (MANE Select); coding-DNA position 7854, C replaced by T.
Protein change: p.Ile2618=; no amino-acid change (isoleucine 2618 retained).
Molecular consequence: synonymous variant.
Genome position (GRCh38, 1-based): chr2:237,341,062, G>A on the plus strand (C>T on the coding strand, the complement: COL6A3 is on the minus strand). VCF-style: chr2-237341062-G-A. GRCh37 (hg19) VCF-style: chr2-238249705-G-A.
Other names: c.6033C>T, p.Ile2011= (NM_057166.5); c.7236C>T, p.Ile2412= (NM_057167.4).
Identifiers: ClinVar variation 2158070 (VCV002158070.5), dbSNP rs779948294, ClinGen allele CA2187677.

ClinVar aggregate classification (germline): Conflicting classifications of pathogenicity. Review status: criteria provided, conflicting classifications (1 of 4 stars). 2 submissions from 2 submitters: Uncertain significance (1); Likely benign (1). Last evaluated 2025-03-18.

Conditions:
Bethlem myopathy 1A. Also called: Bethlem Muscular Dystrophy; Bethlem myopathy 1; MYOPATHY, BENIGN CONGENITAL, WITH CONTRACTURES. Identifiers: Orphanet 610, MedGen CN029274, MONDO:0024530, OMIM 158810.

Allele frequency attached by ClinVar (database versions not stated): ExAC 0.00001; gnomAD 0.00001; TOPMed 0.00001.
gnomAD v4.1: 18 of 1,614,006 alleles (0.0011%); highest among the groups gnomAD compares: Admixed American, 0.005%; no homozygotes.

Submissions (2):

GeneDx
Classification: Uncertain significance. Last evaluated: 2025-03-18. Review status: criteria provided, single submitter. Criteria: GeneDx Variant Classification Process June 2021. Collection method: clinical testing. Allele origin: germline. Affected: yes.
Comment: Not observed at significant frequency in large population cohorts (gnomAD); Has not been previously published as pathogenic or benign to our knowledge; In silico analysis suggests this variant may impact gene splicing. In the absence of RNA/functional studies, the actual effect of this sequence change is unknown.

Labcorp Genetics (formerly Invitae), Labcorp
Classification: Likely benign for Bethlem myopathy 1A. Last evaluated: 2022-02-14. Review status: criteria provided, single submitter. Criteria: Invitae Variant Classification Sherloc (09022015). Collection method: clinical testing. Allele origin: germline.